The following is an entry in ClinVar:

NM_201384.3(PLEC):c.1952T>C (p.Met651Thr)

Gene: PLEC (plectin; minus strand). Cytogenetic location: 8q24.3.
Variant type: single nucleotide variant.
Coding change: c.1952T>C on transcript NM_201384.3 (MANE Select); coding-DNA position 1952, T replaced by C.
Protein change: p.Met651Thr; replaces methionine 651 with threonine.
Molecular consequence: missense variant.
Genome position (GRCh38, 1-based): chr8:143,932,425, A>G on the plus strand (T>C on the coding strand, the complement: PLEC is on the minus strand). VCF-style: chr8-143932425-A-G. GRCh37 (hg19) VCF-style: chr8-145006593-A-G.
Other names: c.2033T>C (NM_000445.3); c.2033T>C, p.Met678Thr (NM_000445.5); c.1910T>C, p.Met637Thr (NM_201378.4); c.1886T>C, p.Met629Thr (NM_201379.3); c.2363T>C, p.Met788Thr (NM_201380.4); c.1856T>C, p.Met619Thr (NM_201381.3); c.1952T>C, p.Met651Thr (NM_201382.4); c.1964T>C, p.Met655Thr (NM_201383.3); short protein forms M651T, M678T, M788T, M629T, M655T, M619T, M637T.
Identifiers: ClinVar variation 596018 (VCV000596018.13), dbSNP rs1260484783, ClinGen allele CA372577966.
Genomic context (GRCh38, chr8:143,932,425, plus strand): 5'-GCTGTGGGGTTCAGGGCAGCTGGGCCACCGCTCACCGAGTAGCTCTCCTTCTTGGCGGTC[A>G]TGTTGGTGTTGCGGTCGCTCCAGTCGAAGCCCACCTCCTCCTCCTCCTTCTCATTCAGCC-3'
Protein context (NP_958786.1, residues 641-661): GFDWSDRNTN[Met651Thr]TAKKESYSAL

ClinVar aggregate classification (germline): Uncertain significance. Review status: criteria provided, multiple submitters, no conflicts (2 of 4 stars). 3 submissions from 3 submitters: Uncertain significance (3). Last evaluated 2025-08-18.

Conditions:
Epidermolysis bullosa simplex 5B, with muscular dystrophy (EBS5B). Also called: Epidermolysis bullosa simplex with muscular dystrophy; EPIDERMOLYSIS BULLOSA SIMPLEX AND LIMB-GIRDLE MUSCULAR DYSTROPHY. Identifiers: Orphanet 257, MedGen C2931072, MONDO:0009181, OMIM 226670.
Epidermolysis bullosa simplex, Ogna type (EBS5A). Also called: Pidermolysis bullosa simplex 5A, Ogna type; EPIDERMOLYSIS BULLOSA SIMPLEX 5A, OGNA TYPE. Identifiers: Orphanet 79401, MedGen C0432317, MONDO:0007555, OMIM 131950.
Epidermolysis bullosa simplex with nail dystrophy (EBS5D). Identifiers: MedGen C4225309, MONDO:0014661, OMIM 616487.
Autosomal recessive limb-girdle muscular dystrophy type 2Q (LGMDR17). Also called: MUSCULAR DYSTROPHY, LIMB-GIRDLE, AUTOSOMAL RECESSIVE 17. Identifiers: Orphanet 254361, MedGen C3150989, MONDO:0013390, OMIM 613723.
Epidermolysis bullosa simplex 5C, with pyloric atresia (EBS5C). Also called: PLEC-Related Epidermolysis Bullosa with Pyloric Atresia; Epidermolysis bullosa simplex with pyloric atresia; PLEC1-Related Epidermolysis Bullosa with Pyloric Atresia. Identifiers: Orphanet 158684, MedGen C2677349, MONDO:0012807, OMIM 612138.

Allele frequency attached by ClinVar (database versions not stated): gnomAD exomes 0.00001; TOPMed 0.00002.
gnomAD v4.1: 8 of 1,612,824 alleles (0.0005%); highest among the groups gnomAD compares: Admixed American, 0.0067%; no homozygotes.

Submissions (3):

Labcorp Genetics (formerly Invitae), Labcorp
Classification: Uncertain significance for Autosomal recessive limb-girdle muscular dystrophy type 2Q; Epidermolysis bullosa simplex, Ogna type; Epidermolysis bullosa simplex with nail dystrophy; Epidermolysis bullosa simplex 5C, with pyloric atresia; Epidermolysis bullosa simplex 5B, with muscular dystrophy. Last evaluated: 2025-08-18. Review status: criteria provided, single submitter. Criteria: Invitae Variant Classification Sherloc (09022015). Collection method: clinical testing. Allele origin: germline.
Comment: This sequence change replaces methionine, which is neutral and non-polar, with threonine, which is neutral and polar, at codon 678 of the PLEC protein (p.Met678Thr). This variant is present in population databases (no rsID available, gnomAD 0.009%). This variant has not been reported in the literature in individuals affected with PLEC-related conditions. ClinVar contains an entry for this variant (Variation ID: 596018). Invitae Evidence Modeling of protein sequence and biophysical properties (such as structural, functional, and spatial information, amino acid conservation, physicochemical variation, residue mobility, and thermodynamic stability) indicates that this missense variant is not expected to disrupt PLEC protein function with a negative predictive value of 80%. In summary, the available evidence is currently insufficient to determine the role of this variant in disease. Therefore, it has been classified as a Variant of Uncertain Significance.

GeneDx
Classification: Uncertain significance. Last evaluated: 2024-08-30. Review status: criteria provided, single submitter. Criteria: GeneDx Variant Classification Process June 2021. Collection method: clinical testing. Allele origin: germline. Affected: yes.
Comment: Not observed at significant frequency in large population cohorts (gnomAD); In silico analysis supports that this missense variant has a deleterious effect on protein structure/function; Missense variant in a gene in which most reported pathogenic variants are truncating/loss of function; Has not been previously published as pathogenic or benign to our knowledge

Eurofins Ntd Llc (ga)
Classification: Uncertain significance. Last evaluated: 2018-02-13. Review status: criteria provided, single submitter. Criteria: EGL ClinVar v180209 classification definitions. Collection method: clinical testing. Allele origin: germline. Observed: 1 variant allele, 1 heterozygote.